The following is an entry in ClinVar:

ClinVar aggregate classification (germline): Likely pathogenic (1 of 4 stars; one submission).

Conditions:
Primary hyperoxaluria, type I (HP1). Also called: GLYCOLIC ACIDURIA; HEPATIC AGT DEFICIENCY; Primary hyperoxaluria type 1; OXALOSIS I. Identifiers: Orphanet 416, Orphanet 93598, MedGen C0268164, MONDO:0009823, OMIM 259900. Disease mechanism: loss of function.

Submission:

Myriad Genetics, Inc.
Classification: Likely pathogenic for Primary hyperoxaluria, type I. Last evaluated: 2022-03-30. Review status: criteria provided, single submitter. Criteria: Myriad Women's Health Autosomal Recessive and X-Linked Classification Criteria (2021). Collection method: clinical testing. Allele origin: unknown.
Comment: NM_000030.2(AGXT):c.279delG(L94Wfs*26) is expected to be pathogenic in the context of primary hyperoxaluria type 1. This variant is predicted to lead to an abnormal or absent protein product due to the creation of a premature termination codon in AGXT, a gene where loss-of-function variants are known to be pathogenic. Please note: this variant was assessed in the context of healthy population screening.

NM_000030.3(AGXT):c.279del (p.Leu94fs)

Gene: AGXT (alanine--glyoxylate aminotransferase; plus strand). Cytogenetic location: 2q37.3.
Variant type: Deletion.
Coding change: c.279del on transcript NM_000030.3 (MANE Select); coding-DNA position 279, one base deleted (G; older notation c.279delG).
Protein change: p.Leu94fs; shifts the reading frame from leucine 94.
Molecular consequence: frameshift variant.
Genome position (GRCh38, 1-based): chr2:240,869,283, G deleted. VCF-style (leftmost placement, unchanged base first): chr2-240869282-TG-T. GRCh37 (hg19) VCF-style: chr2-241808699-TG-T.
Other names: short protein forms L94fs.
Identifiers: ClinVar variation 1725601 (VCV001725601.2), dbSNP rs2528740277, ClinGen allele CA2580068026.
Genomic context (GRCh38, chr2:240,869,282, plus strand): 5'-CACTCACACTGGTCATCTCTGGCTCGGGACACTGTGCCCTGGAGGCCGCCCTGGTCAATG[TG>T]CTGGAGCCTGGGGACTCCTTCCTGGTTGGGGCCAATGGCATTTGGGGGCAGCGAGCCGTG-3'